The following is an entry in ClinVar:

ClinVar aggregate classification (germline): Benign/Likely benign. Review status: criteria provided, multiple submitters, no conflicts (2 of 4 stars). 4 submissions from 4 submitters: Benign (1); Likely benign (3). Last evaluated 2025-03-27.

Conditions:
Hereditary cancer-predisposing syndrome. Also called: Hereditary neoplastic syndrome; Hereditary Cancer Syndrome; Neoplastic Syndromes, Hereditary; Tumor predisposition. Identifiers: Orphanet 140162, MedGen C0027672, MeSH D009386, MONDO:0015356.
Familial cancer of breast. Also called: hereditary breast carcinoma; BREAST CANCER, FAMILIAL; Hereditary breast cancer. Identifiers: Orphanet 227535, MedGen C0346153, MONDO:0016419, OMIM 114480. Disease mechanism: loss of function.

Allele frequency attached by ClinVar (database versions not stated): gnomAD exomes below 0.00001; TOPMed below 0.00001.

Submissions (4):

Labcorp Genetics (formerly Invitae), Labcorp
Classification: Likely benign for Familial cancer of breast. Last evaluated: 2025-03-27. Review status: criteria provided, single submitter. Criteria: Invitae Variant Classification Sherloc (09022015). Collection method: clinical testing. Allele origin: germline.

Ambry Genetics
Classification: Likely benign for Hereditary cancer-predisposing syndrome. Last evaluated: 2024-12-14. Review status: criteria provided, single submitter. Criteria: Ambry Variant Classification Scheme 2023. Collection method: clinical testing. Allele origin: germline.

Myriad Genetics, Inc.
Classification: Benign for Familial cancer of breast. Last evaluated: 2024-07-26. Review status: criteria provided, single submitter. Criteria: Myriad Autosomal Dominant, Autosomal Recessive and X-Linked Classification Criteria (2023). Collection method: clinical testing. Allele origin: unknown.
Comment: This variant is considered benign. This variant is a silent/synonymous amino acid change and it is not expected to impact splicing.

GeneDx
Classification: Likely benign. Last evaluated: 2017-06-29. Review status: criteria provided, single submitter. Criteria: GeneDx Variant Classification (06012015). Collection method: clinical testing. Allele origin: germline. Affected: yes.
Comment: This variant is considered likely benign or benign based on one or more of the following criteria: it is a conservative change, it occurs at a poorly conserved position in the protein, it is predicted to be benign by multiple in silico algorithms, and/or has population frequency not consistent with disease.

NM_000465.4(BARD1):c.1605T>C (p.Asp535=)

Gene: BARD1 (BRCA1 associated RING domain 1; minus strand). Cytogenetic location: 2q35.
Variant type: single nucleotide variant.
Coding change: c.1605T>C on transcript NM_000465.4 (MANE Select); coding-DNA position 1605, T replaced by C.
Protein change: p.Asp535=; no amino-acid change (aspartic acid 535 retained).
Molecular consequence: synonymous variant. On other transcripts: non-coding transcript variant (3), intron variant (1).
Genome position (GRCh38, 1-based): chr2:214,752,519, A>G on the plus strand (T>C on the coding strand, the complement: BARD1 is on the minus strand). VCF-style: chr2-214752519-A-G. GRCh37 (hg19) VCF-style: chr2-215617243-A-G.
Other names: c.1548T>C, p.Asp516= (NM_001282543.2); c.252T>C, p.Asp84= (NM_001282545.2); c.195T>C, p.Asp65= (NM_001282548.2); c.365-22011T>C (NM_001282549.2).
Identifiers: ClinVar variation 510566 (VCV000510566.12), dbSNP rs1172740478, ClinGen allele CA431147892.